The following is an entry in ClinVar:

ClinVar aggregate classification (germline): Likely pathogenic (1 of 4 stars; one submission).

Conditions:
Dilated cardiomyopathy 1G (CMD1G). Identifiers: Orphanet 154, MedGen C1858763, MONDO:0011400, OMIM 604145.
Autosomal recessive limb-girdle muscular dystrophy type 2J (LGMDR10). Also called: Limb-girdle muscular dystrophy, type 2J; MUSCULAR DYSTROPHY, LIMB-GIRDLE, AUTOSOMAL RECESSIVE 10. Identifiers: Orphanet 140922, MedGen C1837342, MONDO:0012127, OMIM 608807.

Submission:

Labcorp Genetics (formerly Invitae), Labcorp
Classification: Likely pathogenic for Dilated cardiomyopathy 1G; Autosomal recessive limb-girdle muscular dystrophy type 2J. Last evaluated: 2023-10-13. Review status: criteria provided, single submitter. Criteria: Invitae Variant Classification Sherloc (09022015). Collection method: clinical testing. Allele origin: germline.
Comment: This sequence change creates a premature translational stop signal (p.Glu21102*) in the TTN gene. While this is not anticipated to result in nonsense mediated decay, it is expected to create a truncated TTN protein. Information on the frequency of this variant in the gnomAD database is not available, as this variant may be reported differently in the database. This variant has not been reported in the literature in individuals affected with TTN-related conditions. ClinVar contains an entry for this variant (Variation ID: 2117452). This variant is located in the A band of TTN (PMID: 25589632). Truncating variants in this region are significantly overrepresented in patients affected with dilated cardiomyopathy (PMID: 25589632). Truncating variants in this region have also been reported in individuals affected with autosomal recessive centronuclear myopathy (PMID: 23975875). In summary, the currently available evidence indicates that the variant is pathogenic, but additional data are needed to prove that conclusively. Therefore, this variant has been classified as Likely Pathogenic.

Literature cited by the submitters: PubMed 25589632; PubMed 23975875.

NM_001267550.2(TTN):c.63303_63304delinsTT (p.Glu21102Ter)

Genes: TTN-AS1 (TTN antisense RNA 1; plus strand), TTN (titin; minus strand). Cytogenetic location: 2q31.2.
Variant type: Indel.
Coding change: c.63303_63304delinsTT on transcript NM_001267550.2 (MANE Select); coding-DNA positions 63303 to 63304, GG replaced by TT.
Protein change: p.Glu21102Ter; replaces glutamic acid 21102 with a stop codon.
Molecular consequence: nonsense.
Genome position (GRCh38, 1-based): chr2:178,588,103-178,588,104, CC replaced by AA on the plus strand (GG replaced by TT on the coding strand, the reverse complement: TTN is on the minus strand). VCF-style: chr2-178588103-CC-AA. GRCh37 (hg19) VCF-style: chr2-179452830-CC-AA.
Other names: c.58380_58381delinsTT, p.Glu19461Ter (NM_001256850.1); c.36108_36109delinsTT, p.Glu12037Ter (NM_003319.4); c.55599_55600delinsTT, p.Glu18534Ter (NM_133378.4); c.36483_36484delinsTT, p.Glu12162Ter (NM_133432.3); c.36684_36685delinsTT, p.Glu12229Ter (NM_133437.4); short protein forms E21102*, E12229*, E18534*, E19461*, E12037*, E12162*.
Identifiers: ClinVar variation 2117452 (VCV002117452.4), dbSNP rs2469325981, ClinGen allele CA2580064797.